The following is an entry in ClinVar:

ClinVar aggregate classification (germline): Conflicting classifications of pathogenicity. Review status: criteria provided, conflicting classifications (1 of 4 stars). 2 submissions from 2 submitters: Pathogenic (1); Uncertain significance (1). Last evaluated 2024-08-05.

gnomAD v4.1: 5 of 1,614,170 alleles (0.00031%); highest among the groups gnomAD compares: South Asian, 0.0044%; no homozygotes.

Submissions (2):

Labcorp Genetics (formerly Invitae), Labcorp
Classification: Pathogenic. Last evaluated: 2024-08-05. Review status: criteria provided, single submitter. Criteria: Invitae Variant Classification Sherloc (09022015). Collection method: clinical testing. Allele origin: germline.
Comment: This sequence change replaces leucine, which is neutral and non-polar, with valine, which is neutral and non-polar, at codon 233 of the KARS protein (p.Leu233Val). This variant is present in population databases (no rsID available, gnomAD 0.003%). This missense change has been observed in individual(s) with clinical features of KARS-related conditions (PMID: 31192300, 34172899; Invitae). In at least one individual the data is consistent with being in trans (on the opposite chromosome) from a pathogenic variant. Advanced modeling of protein sequence and biophysical properties (such as structural, functional, and spatial information, amino acid conservation, physicochemical variation, residue mobility, and thermodynamic stability) performed at Invitae indicates that this missense variant is not expected to disrupt KARS protein function with a negative predictive value of 80%. Experimental studies have shown that this missense change affects KARS function (PMID: 31192300). For these reasons, this variant has been classified as Pathogenic.

Blueprint Genetics
Classification: Uncertain significance. Last evaluated: 2023-11-01. Review status: criteria provided, single submitter. Criteria: ACMG Guidelines, 2015. Collection method: clinical testing. Allele origin: germline.

Literature cited by the submitters: PubMed 31192300 (cited by Labcorp Genetics (formerly Invitae), Labcorp); PubMed 34172899 (cited by Labcorp Genetics (formerly Invitae), Labcorp).

NM_005548.3(KARS1):c.613C>G (p.Leu205Val)

Gene: KARS1 (lysyl-tRNA synthetase 1; minus strand). Cytogenetic location: 16q23.1.
Variant type: single nucleotide variant.
Coding change: c.613C>G on transcript NM_005548.3 (MANE Select); coding-DNA position 613, C replaced by G.
Protein change: p.Leu205Val; replaces leucine 205 with valine.
Molecular consequence: missense variant.
Genome position (GRCh38, 1-based): chr16:75,635,968, G>C on the plus strand (C>G on the coding strand, the complement: KARS1 is on the minus strand). VCF-style: chr16-75635968-G-C. GRCh37 (hg19) VCF-style: chr16-75669866-G-C.
Other names: c.697C>G, p.Leu233Val (NM_001130089.2); c.145C>G, p.Leu49Val (NM_001378148.1); short protein forms L233V, L49V, L205V.
Identifiers: ClinVar variation 2982881 (VCV002982881.4), dbSNP rs200848719, ClinGen allele CA396813747.
Genomic context (GRCh38, chr16:75,635,968, plus strand): 5'-TTACCTTGTCTTTGAGGCCAAAGTGAAGATGAGGTAACATATGCAAACAGGGAGACAGCA[G>C]TGTGATCTCATACGGAATGATGCTCAGCTCACCCTTCTTGGTTTTACCAGGATTCCCCTG-3'
Protein context (NP_005539.1, residues 195-215): ELSIIPYEIT[Leu205Val]LSPCLHMLPH